The following is an entry in ClinVar:

NM_007294.4(BRCA1):c.134+13G>C

Gene: BRCA1 (BRCA1 DNA repair associated; minus strand). Cytogenetic location: 17q21.31.
Variant type: single nucleotide variant.
Coding change: c.134+13G>C on transcript NM_007294.4 (MANE Select); 13 bases into the intron after coding-DNA position 134, G replaced by C.
Molecular consequence: intron variant.
Genome position (GRCh38, 1-based): chr17:43,115,713, C>G on the plus strand (G>C on the coding strand, the complement: BRCA1 is on the minus strand). VCF-style: chr17-43115713-C-G. GRCh37 (hg19) VCF-style: chr17-41267730-C-G.
Other names: c.-8+13G>C (NM_001408458.1, NM_001408470.1, NM_001407848.1 and 47 more transcripts); c.-219+9564G>C (NM_001407967.1); c.-170+9564G>C (NM_001407959.1); c.-7-9180G>C (NM_001407931.1, NM_001407747.1, NM_001408511.1 and 2 more transcripts); c.-170+13G>C (NM_001407962.1, NM_001408512.1, NM_001408510.1 and 1 more transcripts); c.-55+13G>C (NM_001407885.1, NM_001407886.1, NM_001408509.1 and 52 more transcripts); c.-124+13G>C (NM_001407746.1, NM_001408468.1, NM_001407842.1 and 13 more transcripts); c.-8+8304G>C (NM_001408461.1, NM_001407738.1, NM_001407932.1 and 23 more transcripts); and 10 more.
Identifiers: ClinVar variation 867526 (VCV000867526.3), dbSNP rs1555599185, ClinGen allele CA916080968.

Conditions:
Breast-ovarian cancer, familial, susceptibility to, 1 (BROVCA1). Also called: BRCA1 Hereditary Breast and Ovarian Cancer; OVARIAN CANCER, SUSCEPTIBILITY TO. Identifiers: Orphanet 145, MedGen C2676676, MONDO:0011450, OMIM 604370. Disease mechanism: loss of function.

Submission:

Brotman Baty Institute, University of Washington
No classification provided (evidence only). Condition: Breast-ovarian cancer, familial 1. Review status: no classification provided. Collection method: in vitro. Allele origin: not applicable. Functional consequence: functionally_normal.
ClinVar note: "not provided" was previously submitted as the classification for the variant. However, the classification appeared to be based only on an observation of functional data so it was converted to no classification on 2025-07-30.